The following is an entry in ClinVar:

NM_001184880.2(PCDH19):c.2452C>T (p.Gln818Ter)

Genes: PCDH19 (protocadherin 19; minus strand), LOC125467768 (CDK7 strongly-dependent group 2 enhancer GRCh37_chrX:99657381-99658580; plus strand). Cytogenetic location: Xq22.1.
Variant type: single nucleotide variant.
Coding change: c.2452C>T on transcript NM_001184880.2 (MANE Select); coding-DNA position 2452, C replaced by T.
Protein change: p.Gln818Ter; replaces glutamine 818 with a stop codon.
Molecular consequence: nonsense.
Genome position (GRCh38, 1-based): chrX:100,402,688, G>A on the plus strand (C>T on the coding strand, the complement: PCDH19 is on the minus strand). VCF-style: chrX-100402688-G-A. GRCh37 (hg19) VCF-style: chrX-99657686-G-A.
Other names: c.2311C>T, p.Gln771Ter (NM_001105243.2, NM_020766.3); short protein forms Q771*, Q818*.
Identifiers: ClinVar variation 2090657 (VCV002090657.4), dbSNP rs2520956405, ClinGen allele CA414005774.

ClinVar aggregate classification (germline): Pathogenic (1 of 4 stars; one submission).

Conditions:
Developmental and epileptic encephalopathy, 9 (DEE9). Also called: Early infantile epileptic encephalopathy 9; EPILEPSY, FEMALE-RESTRICTED, WITH MENTAL RETARDATION; JUBERG-HELLMAN SYNDROME; PCDH19-Related X-Linked Female-Limited Epilepsy with Mental Retardation. Identifiers: Orphanet 101039, Orphanet 2076, MedGen C1848137, MONDO:0010246, OMIM 300088. Disease mechanism: loss of function.

Submission:

Labcorp Genetics (formerly Invitae), Labcorp
Classification: Pathogenic for Developmental and epileptic encephalopathy, 9. Last evaluated: 2022-01-28. Review status: criteria provided, single submitter. Criteria: Invitae Variant Classification Sherloc (09022015). Collection method: clinical testing. Allele origin: germline.
Comment: This sequence change creates a premature translational stop signal (p.Gln818*) in the PCDH19 gene. It is expected to result in an absent or disrupted protein product. Loss-of-function variants in PCDH19 are known to be pathogenic (PMID: 21053371). This variant is not present in population databases (gnomAD no frequency). This variant has not been reported in the literature in individuals affected with PCDH19-related conditions. For these reasons, this variant has been classified as Pathogenic.

Literature cited by the submitters: PubMed 21053371.